The following is an entry in ClinVar:

NM_000038.6(APC):c.2635C>G (p.Gln879Glu)

Gene: APC (APC regulator of Wnt signaling pathway; plus strand). Cytogenetic location: 5q22.2.
Variant type: single nucleotide variant.
Coding change: c.2635C>G on transcript NM_000038.6 (MANE Select); coding-DNA position 2635, C replaced by G.
Protein change: p.Gln879Glu; replaces glutamine 879 with glutamic acid.
Molecular consequence: missense variant.
Genome position (GRCh38, 1-based): chr5:112,838,229, C>G. VCF-style: chr5-112838229-C-G. GRCh37 (hg19) VCF-style: chr5-112173926-C-G.
Other names: c.2581C>G, p.Gln861Glu (NM_001127511.3); c.2635C>G, p.Gln879Glu (NM_001354895.2, NM_001127510.3); c.2689C>G, p.Gln897Glu (NM_001354896.2); c.2665C>G, p.Gln889Glu (NM_001354897.2); c.2560C>G, p.Gln854Glu (NM_001354898.2); c.2551C>G, p.Gln851Glu (NM_001354899.2); c.2512C>G, p.Gln838Glu (NM_001354900.2); c.2458C>G, p.Gln820Glu (NM_001354901.2); and 5 more; short protein forms Q854E, Q889E, Q897E, Q820E, Q838E, Q851E, Q879E, Q596E.
Identifiers: ClinVar variation 821615 (VCV000821615.12), dbSNP rs1060503287, ClinGen allele CA16027093.

ClinVar aggregate classification (germline): Uncertain significance. Review status: criteria provided, multiple submitters, no conflicts (2 of 4 stars). 4 submissions from 4 submitters: Uncertain significance (4). Last evaluated 2025-08-25.

Conditions:
Familial adenomatous polyposis 1 (FAP1). Also called: FAMILIAL ADENOMATOUS POLYPOSIS 1, ATTENUATED; POLYPOSIS, ADENOMATOUS INTESTINAL. Identifiers: MedGen C2713442, MONDO:0021056, OMIM 175100. Disease mechanism: loss of function.
Hereditary cancer-predisposing syndrome. Also called: Tumor predisposition; Hereditary Cancer Syndrome; Neoplastic Syndromes, Hereditary; Hereditary neoplastic syndrome. Identifiers: Orphanet 140162, MedGen C0027672, MeSH D009386, MONDO:0015356.

Allele frequency attached by ClinVar (database versions not stated): TOPMed below 0.00001; gnomAD 0.00001.
gnomAD v4.1: 1 of 1,613,806 alleles (0.000062%); highest among the groups gnomAD compares: African/African-American, 0.0013%; no homozygotes.

Submissions (4):

Ambry Genetics
Classification: Uncertain significance for Hereditary cancer-predisposing syndrome. Last evaluated: 2025-08-25. Review status: criteria provided, single submitter. Criteria: Ambry Variant Classification Scheme 2023. Collection method: clinical testing. Allele origin: germline.
Comment: The p.Q879E variant (also known as c.2635C>G), located in coding exon 15 of the APC gene, results from a C to G substitution at nucleotide position 2635. The glutamine at codon 879 is replaced by glutamic acid, an amino acid with highly similar properties. This amino acid position is well conserved in available vertebrate species. In addition, in silico predictors for this gene do not accurately predict pathogenicity. Missense alterations in APC are not a common cause of disease (Spier I et al. Genet Med. 2024 Feb;26(2):100992). Based on the available evidence, the clinical significance of this variant remains unclear.

Labcorp Genetics (formerly Invitae), Labcorp
Classification: Uncertain significance for Familial adenomatous polyposis 1. Last evaluated: 2025-01-28. Review status: criteria provided, single submitter. Criteria: Invitae Variant Classification Sherloc (09022015). Collection method: clinical testing. Allele origin: germline.
Comment: This sequence change replaces glutamine, which is neutral and polar, with glutamic acid, which is acidic and polar, at codon 879 of the APC protein (p.Gln879Glu). This variant is not present in population databases (gnomAD no frequency). This variant has not been reported in the literature in individuals affected with APC-related conditions. ClinVar contains an entry for this variant (Variation ID: 821615). Invitae Evidence Modeling of protein sequence and biophysical properties (such as structural, functional, and spatial information, amino acid conservation, physicochemical variation, residue mobility, and thermodynamic stability) indicates that this missense variant is not expected to disrupt APC protein function with a negative predictive value of 95%. In summary, the available evidence is currently insufficient to determine the role of this variant in disease. Therefore, it has been classified as a Variant of Uncertain Significance.

Color Diagnostics, LLC DBA Color Health
Classification: Uncertain significance for Hereditary cancer-predisposing syndrome. Last evaluated: 2024-01-16. Review status: criteria provided, single submitter. Criteria: ACMG Guidelines, 2015. Collection method: clinical testing. Allele origin: germline.
Comment: This missense variant replaces glutamine with glutamic acid at codon 879 of the APC protein. Computational prediction suggests that this variant may not impact protein structure and function (internally defined REVEL score threshold <= 0.5, PMID: 27666373). To our knowledge, functional studies have not been reported for this variant. This variant has not been reported in individuals affected with APC-related disorders in the literature. This variant has not been identified in the general population by the Genome Aggregation Database (gnomAD). The available evidence is insufficient to determine the role of this variant in disease conclusively. Therefore, this variant is classified as a Variant of Uncertain Significance.

GeneDx
Classification: Uncertain significance. Last evaluated: 2023-03-20. Review status: criteria provided, single submitter. Criteria: GeneDx Variant Classification Process June 2021. Collection method: clinical testing. Allele origin: germline. Affected: yes.
Comment: Not observed at significant frequency in large population cohorts (gnomAD); In silico analysis supports that this missense variant does not alter protein structure/function; Has not been previously published as pathogenic or benign to our knowledge; This variant is associated with the following publications: (PMID: 32686686, 23845441)